The following is an entry in ClinVar:

ClinVar aggregate classification (germline): Pathogenic (1 of 4 stars; one submission).

Conditions:
Fanconi anemia (FA). Also called: Fanconi's anemia. Identifiers: Orphanet 84, MedGen C0015625, MeSH D005199, MONDO:0019391.

Submission:

Labcorp Genetics (formerly Invitae), Labcorp
Classification: Pathogenic for Fanconi anemia. Last evaluated: 2023-07-10. Review status: criteria provided, single submitter. Criteria: Invitae Variant Classification Sherloc (09022015). Collection method: clinical testing. Allele origin: germline.
Comment: For these reasons, this variant has been classified as Pathogenic. This variant results in the deletion of exon 26 and part of exon 27 (c.2385+400_2507del) of the FANCD2 gene. It is expected to disrupt RNA splicing. Variants that disrupt the donor or acceptor splice site typically lead to a loss of protein function (PMID: 16199547), and loss-of-function variants in FANCD2 are known to be pathogenic (PMID: 17436244). This variant has not been reported in the literature in individuals affected with FANCD2-related conditions. This variant disrupts a region of the FANCD2 protein in which other variant(s) (p.Arg815Gln) have been determined to be pathogenic (PMID: 17436244, 27041517). This suggests that this is a clinically significant region of the protein, and that variants that disrupt it are likely to be disease-causing.

Literature cited by the submitters: PubMed 16199547; PubMed 17436244; PubMed 27041517.

NC_000003.11:g.(?_10108063)_(10114567_?)del

Gene: FANCD2 (FA complementation group D2; plus strand). Cytogenetic location: 3p25.3.
Variant type: Deletion.
Identifiers: ClinVar variation 2427116 (VCV002427116.4).